The following is an entry in ClinVar:

NM_000179.3(MSH6):c.622A>C (p.Met208Leu)

Gene: MSH6 (mutS homolog 6; plus strand). Cytogenetic location: 2p16.3.
Variant type: single nucleotide variant.
Coding change: c.622A>C on transcript NM_000179.3 (MANE Select); coding-DNA position 622, A replaced by C.
Protein change: p.Met208Leu; replaces methionine 208 with leucine.
Molecular consequence: missense variant. On other transcripts: non-coding transcript variant (5), intron variant (8), 5 prime UTR variant (2).
Genome position (GRCh38, 1-based): chr2:47,796,058, A>C. VCF-style: chr2-47796058-A-C. GRCh37 (hg19) VCF-style: chr2-48023197-A-C.
Other names: c.-279-2553A>C (NM_001406811.1, NM_001281493.2, NM_001406812.1 and 4 more transcripts); c.238-2553A>C (NM_001281492.2); c.97A>C, p.Met33Leu (NM_001406806.1, NM_001406807.1, NM_001406799.1); c.325A>C, p.Met109Leu (NM_001406819.1, NM_001406820.1, NM_001406821.1 and 10 more transcripts); c.454A>C, p.Met152Leu (NM_001406826.1); c.622A>C, p.Met208Leu (NM_001407362.1, NM_001406808.1, NM_001406809.1 and 5 more transcripts); c.628A>C, p.Met210Leu (NM_001406813.1); c.-373A>C (NM_001406814.1); and 3 more; short protein forms M109L, M152L, M182L, M208L, M210L, M240L, M33L.
Identifiers: ClinVar variation 4860368 (VCV004860368.1).

ClinVar aggregate classification (germline): Uncertain significance (1 of 4 stars; one submission).

Conditions:
Hereditary cancer-predisposing syndrome. Also called: Neoplastic Syndromes, Hereditary; Tumor predisposition; Hereditary Cancer Syndrome; Hereditary neoplastic syndrome. Identifiers: Orphanet 140162, MedGen C0027672, MeSH D009386, MONDO:0015356.

Submission:

Ambry Genetics
Classification: Uncertain significance for Hereditary cancer-predisposing syndrome. Last evaluated: 2026-04-18. Review status: criteria provided, single submitter. Criteria: Ambry Variant Classification Scheme 2023. Collection method: clinical testing. Allele origin: germline.
Comment: The p.M208L variant (also known as c.622A>C), located in coding exon 3 of the MSH6 gene, results from an A to C substitution at nucleotide position 622. The methionine at codon 208 is replaced by leucine, an amino acid with highly similar properties. This amino acid position is conserved. In addition, this alteration is predicted to be tolerated by in silico analysis. Based on the available evidence, the clinical significance of this variant remains unclear.